The following is an entry in ClinVar:

ClinVar aggregate classification (germline): Likely benign. Review status: criteria provided, multiple submitters, no conflicts (2 of 4 stars). 4 submissions from 4 submitters: Likely benign (2). 2 of the submissions do not count toward it. Last evaluated 2026-01-09.

Conditions:
Bardet-Biedl syndrome 10 (BBS10). Identifiers: Orphanet 110, MedGen C1859568, MONDO:0014438, OMIM 615987.
BBS10-related disorder. Also called: BBS10-related condition.
Bardet-Biedl syndrome (BBS). Identifiers: Orphanet 110, MedGen C0752166, MONDO:0015229.

Allele frequency attached by ClinVar (database versions not stated): ExAC 0.00003; gnomAD exomes 0.00003; TOPMed 0.00003; gnomAD 0.00004.
gnomAD v4.1: 48 of 1,614,068 alleles (0.003%); highest among the groups gnomAD compares: Middle Eastern, 0.15%; no homozygotes.

Submissions (4):

Labcorp Genetics (formerly Invitae), Labcorp
Classification: Likely benign for Bardet-Biedl syndrome. Last evaluated: 2026-01-09. Review status: criteria provided, single submitter. Criteria: Invitae Variant Classification Sherloc (09022015). Collection method: clinical testing. Allele origin: germline.

Blueprint Genetics
Classification: Likely benign. Last evaluated: 2023-12-22. Review status: criteria provided, single submitter. Criteria: ACMG Guidelines, 2015. Collection method: clinical testing. Allele origin: germline.

PreventionGenetics, part of Exact Sciences
Classification: Likely benign for BBS10-related condition. Last evaluated: 2021-08-31. Review status: no assertion criteria provided. Collection method: clinical testing. Allele origin: germline. Not counted in ClinVar's aggregate classification.
Comment: This variant is classified as likely benign based on ACMG/AMP sequence variant interpretation guidelines (Richards et al. 2015 PMID: 25741868, with internal and published modifications).

Natera, Inc.
Classification: Uncertain significance for Bardet-Biedl syndrome type 10. Last evaluated: 2020-02-13. Review status: no assertion criteria provided. Collection method: clinical testing. Allele origin: germline. Not counted in ClinVar's aggregate classification.

NM_024685.4(BBS10):c.1548A>T (p.Thr516=)

Gene: BBS10 (Bardet-Biedl syndrome 10; minus strand). Cytogenetic location: 12q21.2.
Variant type: single nucleotide variant.
Coding change: c.1548A>T on transcript NM_024685.4 (MANE Select); coding-DNA position 1548, A replaced by T.
Protein change: p.Thr516=; no amino-acid change (threonine 516 retained).
Molecular consequence: synonymous variant.
Genome position (GRCh38, 1-based): chr12:76,346,437, T>A on the plus strand (A>T on the coding strand, the complement: BBS10 is on the minus strand). VCF-style: chr12-76346437-T-A. GRCh37 (hg19) VCF-style: chr12-76740217-T-A.
Identifiers: ClinVar variation 698743 (VCV000698743.14), dbSNP rs771662934, ClinGen allele CA6694150.
Genomic context (GRCh38, chr12:76,346,437, plus strand): 5'-ATAATCAGTTAGCCTGTTTCTTTCCAAAGACAAACATGTCAGCGTTTCAACTGTTTGGAA[T>A]GTATCTGTTGGTGTCAGTGTGGGGGTTGAATACGGAATATATGTTTCTAATTCTACATCT-3'
Protein context (NP_078961.3, residues 506-526): YSTPTLTPTD[Thr516=]FQTVETLTCL